The following is an entry in ClinVar:

ClinVar aggregate classification (germline): Uncertain significance (1 of 4 stars; one submission).

Conditions:
Neuronal ceroid lipofuscinosis. Also called: Neuronal Ceroid Lipofuscinoses. Identifiers: Orphanet 216, Orphanet 79263, MedGen C0027877, MONDO:0016295. Disease mechanism: loss of function.

Submission:

Labcorp Genetics (formerly Invitae), Labcorp
Classification: Uncertain significance for Neuronal ceroid lipofuscinosis. Last evaluated: 2023-08-17. Review status: criteria provided, single submitter. Criteria: Invitae Variant Classification Sherloc (09022015). Collection method: clinical testing. Allele origin: germline.
Comment: In summary, the available evidence is currently insufficient to determine the role of this variant in disease. Therefore, it has been classified as a Variant of Uncertain Significance. This sequence change replaces asparagine, which is neutral and polar, with tyrosine, which is neutral and polar, at codon 55 of the CLN6 protein (p.Asn55Tyr). This variant is not present in population databases (gnomAD no frequency). This variant has not been reported in the literature in individuals affected with CLN6-related conditions. ClinVar contains an entry for this variant (Variation ID: 2007723). Advanced modeling of protein sequence and biophysical properties (such as structural, functional, and spatial information, amino acid conservation, physicochemical variation, residue mobility, and thermodynamic stability) has been performed at Invitae for this missense variant, however the output from this modeling did not meet the statistical confidence thresholds required to predict the impact of this variant on CLN6 protein function.

NM_017882.3(CLN6):c.163A>T (p.Asn55Tyr)

Gene: CLN6 (CLN6 transmembrane ER protein; minus strand). Cytogenetic location: 15q23.
Variant type: single nucleotide variant.
Coding change: c.163A>T on transcript NM_017882.3 (MANE Select); coding-DNA position 163, A replaced by T.
Protein change: p.Asn55Tyr; replaces asparagine 55 with tyrosine.
Molecular consequence: missense variant.
Genome position (GRCh38, 1-based): chr15:68,218,571, T>A on the plus strand (A>T on the coding strand, the complement: CLN6 is on the minus strand). VCF-style: chr15-68218571-T-A. GRCh37 (hg19) VCF-style: chr15-68510909-T-A.
Other names: c.259A>T, p.Asn87Tyr (NM_001411068.1); short protein forms N55Y, N87Y.
Identifiers: ClinVar variation 2007723 (VCV002007723.4), dbSNP rs2505421761, ClinGen allele CA392975591.
Genomic context (GRCh38, chr15:68,218,571, plus strand): 5'-GCCCTGTGCACCATTTCACACTCACCATGGCAATGGGACGCCCAAAGTCCAGAACCCAGT[T>A]CTGCAGTGTGAAGTAGAACCAGAGGTCGAGGTGGAAGGGAGCCGTGCGGGCAGCCTCATC-3'
Protein context (NP_060352.1, residues 45-65): LDLWFYFTLQ[Asn55Tyr]WVLDFGRPIA